The following is an entry in ClinVar:

ClinVar aggregate classification (germline): Uncertain significance (1 of 4 stars; one submission).

Conditions:
Cardiovascular phenotype. Identifiers: MedGen CN230736.

Submission:

Ambry Genetics
Classification: Uncertain significance for Cardiovascular phenotype. Last evaluated: 2025-07-22. Review status: criteria provided, single submitter. Criteria: Ambry Variant Classification Scheme 2023. Collection method: clinical testing. Allele origin: germline.
Comment: The p.G3401R variant (also known as c.10201G>A), located in coding exon 41 of the AKAP9 gene, results from a G to A substitution at nucleotide position 10201. The glycine at codon 3401 is replaced by arginine, an amino acid with dissimilar properties. This amino acid position is conserved. In addition, this alteration is predicted to be tolerated by in silico analysis. Based on the available evidence, the clinical significance of this variant remains unclear.

NM_005751.5(AKAP9):c.10201G>A (p.Gly3401Arg)

Gene: AKAP9 (A-kinase anchoring protein 9; plus strand). Cytogenetic location: 7q21.2.
Variant type: single nucleotide variant.
Coding change: c.10201G>A on transcript NM_005751.5 (MANE Select); coding-DNA position 10201, G replaced by A.
Protein change: p.Gly3401Arg; replaces glycine 3401 with arginine.
Molecular consequence: missense variant.
Genome position (GRCh38, 1-based): chr7:92,097,160, G>A. VCF-style: chr7-92097160-G-A. GRCh37 (hg19) VCF-style: chr7-91726474-G-A.
Other names: c.4846G>A, p.Gly1616Arg (NM_001379277.1); c.10177G>A, p.Gly3393Arg (NM_147185.3); short protein forms G1616R, G3393R, G3401R.
Identifiers: ClinVar variation 4265172 (VCV004265172.1).
Genomic context (GRCh38, chr7:92,097,160, plus strand): 5'-GAAAAAGATAGGCAGGTTCACAGGAAAACACTGCAGACAGAACAGGAGGCCAACACTGAG[G>A]GACAGAAAAAAATGCATGAGCTCCAGTCCAAAGTGGAAGATCTTCAGCGCCAGCTGGAAG-3'
Protein context (NP_005742.4, residues 3391-3411): LQTEQEANTE[Gly3401Arg]QKKMHELQSK